The following is an entry in ClinVar:

ClinVar aggregate classification (germline): Conflicting classifications of pathogenicity. Review status: criteria provided, conflicting classifications (1 of 4 stars). 17 submissions from 17 submitters: Uncertain significance (8); Benign (1); Likely benign (5). 3 of the submissions do not count toward it. Last evaluated 2026-01-26.

Conditions:
Familial cancer of breast. Also called: Hereditary breast cancer; hereditary breast carcinoma; BREAST CANCER, FAMILIAL. Identifiers: Orphanet 227535, MedGen C0346153, MONDO:0016419, OMIM 114480. Disease mechanism: loss of function.
Esophageal atresia/tracheoesophageal fistula. Also called: Tracheoesophageal fistula; TRACHEOESOPHAGEAL FISTULA WITH OR WITHOUT ESOPHAGEAL ATRESIA. Identifiers: Orphanet 1199, MedGen C0040588, MeSH D014138, MONDO:0008586, OMIM 189960, HP:0002575.
Fanconi anemia complementation group N. Also called: PALB2-Related Fanconi Anemia. Identifiers: Orphanet 84, MedGen C1835817, MONDO:0012565, OMIM 610832. Disease mechanism: loss of function.
Pancreatic cancer, susceptibility to, 3. Identifiers: Orphanet 1333, MedGen C3150547, MONDO:0013236, OMIM 613348.
PALB2-related disorder. Also called: PALB2-related condition; PALB2-related disorders.
Breast and/or ovarian cancer. Identifiers: MedGen CN221562.
Hereditary cancer-predisposing syndrome. Also called: Tumor predisposition; Hereditary neoplastic syndrome; Neoplastic Syndromes, Hereditary; Hereditary Cancer Syndrome. Identifiers: Orphanet 140162, MedGen C0027672, MeSH D009386, MONDO:0015356.
Malignant tumor of breast. Also called: Malignant breast neoplasm; Cancer breast. Identifiers: MedGen C0006142, MONDO:0007254. Disease mechanism: loss of function.

Allele frequency attached by ClinVar (database versions not stated): gnomAD exomes 0.00007 and 0.00019; ExAC 0.00009; gnomAD 0.00010; TOPMed 0.00011; ESP Exome Variant Server 0.00038.
gnomAD v4.1: 303 of 1,613,144 alleles (0.019%); highest among the groups gnomAD compares: Non-Finnish European, 0.024%; 1 homozygote.

Submissions 1 to 14 of 17:

Labcorp Genetics (formerly Invitae), Labcorp
Classification: Likely benign for Familial cancer of breast. Last evaluated: 2026-01-26. Review status: criteria provided, single submitter. Criteria: Invitae Variant Classification Sherloc (09022015). Collection method: clinical testing. Allele origin: germline.

Women's Health and Genetics/Laboratory Corporation of America, LabCorp
Classification: Likely benign. Last evaluated: 2025-12-16. Review status: criteria provided, single submitter. Criteria: LabCorp Variant Classification Summary - May 2015. Collection method: clinical testing. Allele origin: germline.
Comment: Variant summary: PALB2 c.11C>T (p.Pro4Leu) results in a non-conservative amino acid change in the encoded protein sequence. Algorithms developed to predict the effect of missense changes on protein structure and function are either unavailable or do not agree on the potential impact of this missense change. The variant allele was found at a frequency of 8.6e-05 in 254736 control chromosomes, predominantly at a frequency of 0.00014 within the Non-Finnish European subpopulation in the gnomAD database. This frequency is not significantly higher than estimated for disease-causing variants in PALB2, allowing no conclusion about variant significance. c.11C>T has been reported in the literature in individuals affected with breast cancer, epithelial ovarian cancer and in controls (Damiola_2015, Rahman_2007, Ramus_2015, Thompson_2015, Yadav_2015, Girard_2019). These reports do not provide unequivocal conclusions about association of the variant with Hereditary Breast And Ovarian Cancer Syndrome. At least one publication reports experimental evidence evaluating an impact on protein function (Rodrigue_2019). These results showed no damaging effect of this variant on ability to interact with BRCA1 and sensitivity to PARP inhibition. The following publications have been ascertained in the context of this evaluation (PMID: 26564480, 30303537, 17200668, 26315354, 31586400, 26283626, 23824750, 27878467). ClinVar contains an entry for this variant (Variation ID: 126593). Based on the evidence outlined above, the variant was classified as likely benign.

GeneDx
Classification: Uncertain significance. Last evaluated: 2025-07-02. Review status: criteria provided, single submitter. Criteria: GeneDx Variant Classification Process June 2021. Collection method: clinical testing. Allele origin: germline. Affected: yes.
Comment: Published functional studies demonstrate intact interaction with BRCA2 and no decrease in cell survival after exposure to olaparib (PMID: 31586400); In silico analysis supports that this missense variant has a deleterious effect on protein structure/function; This variant is associated with the following publications: (PMID: 25801821, 26283626, 23824750, 17200668, 26315354, 26564480, 27878467, 28779002, 33471991, 20871615, 19369211, 30303537, 38196669, 31586400, 34326862, 37937776)

Quest Diagnostics Nichols Institute San Juan Capistrano
Classification: Uncertain significance. Last evaluated: 2025-05-02. Review status: criteria provided, single submitter. Criteria: Quest Diagnostics criteria. Collection method: clinical testing. Allele origin: unknown.
Comment: The PALB2 c.11C>T (p.Pro4Leu) variant has been reported in the published literature in individuals affected with breast cancer (PMID: 37937776 (2023), 34326862 (2021), 27878467 (2016), 26564480 (2015), 26283626 (2015), 23824750 (2014)), ovarian cancer (PMID: 26315354 (2015)), and polyps (PMID: 38196669 (2023)). It has also been described in reportedly unaffected individuals (PMID: 30303537 (2019), 26564480 (2015), 26315354 (2015), 26283626 (2015)). In a large scale breast cancer association study, this variant was described in breast cancer cases as well as in reportedly unaffected individuals (PMID: 33471991 (2021), see also LOVD). One study reported that this variant had no effect on BRCA1 binding and sensitivity to PARP1 inhibitor (PMID: 31586400 (2019)), however further studies are needed. The frequency of this variant in the general population (Genome Aggregation Database) is uninformative in the assessment of its pathogenicity. Analysis of this variant using bioinformatics tools for the prediction of the effect of amino acid changes on protein structure and function yielded predictions that this variant is benign. Based on the available information, we are unable to determine the clinical significance of this variant.

Mayo Clinic Laboratories, Mayo Clinic
Classification: Uncertain significance. Last evaluated: 2025-03-19. Review status: criteria provided, single submitter. Criteria: ACMG Guidelines, 2015. Collection method: clinical testing. Allele origin: germline. Observed: 1 variant allele.

Myriad Genetics, Inc.
Classification: Benign for Familial cancer of breast. Last evaluated: 2025-01-09. Review status: criteria provided, single submitter. Criteria: Myriad Autosomal Dominant, Autosomal Recessive and X-Linked Classification Criteria (2023). Collection method: clinical testing. Allele origin: unknown.
Comment: This variant is considered benign. This variant is strongly associated with less severe personal and family histories of cancer, typical for individuals without pathogenic variants in this gene [PMID: 25085752]. Homozygosity for this variant has been confirmed in one or more individuals lacking clinical features consistent with gene-specific recessive disease, indicating that this variant is unlikely to be pathogenic.

Blueprint Genetics
Classification: Likely benign. Last evaluated: 2024-08-27. Review status: criteria provided, single submitter. Criteria: ACMG Guidelines, 2015. Collection method: clinical testing. Allele origin: germline.

CeGaT Center for Human Genetics Tuebingen
Classification: Uncertain significance. Last evaluated: 2023-12-01. Review status: criteria provided, single submitter. Criteria: CeGaT Center For Human Genetics Tuebingen Variant Classification Criteria Version 2. Collection method: clinical testing. Allele origin: germline. Affected: yes. Observed: 1 variant allele.
Comment: PALB2: PM2, BP4

Sema4
Classification: Uncertain significance for Hereditary cancer-predisposing syndrome. Last evaluated: 2021-11-17. Review status: criteria provided, single submitter. Criteria: Sema4 Curation Guidelines. Collection method: curation. Allele origin: germline.
Comment: The PALB2 c.11C>T (p.P4L) variant has been reported in heterozygosity in several individuals with breast or ovarian cancer (PMID: 23824750, 26564480, 26283626, 26315354); however it was also identified in unaffected controls (PMID: 26564480, 26315354, 26283626, 17200668, 33471991). A functional study demonstrated the normal function of the protein (PMID: 31586400). This variant was observed in 18/126430 chromosomes in the Non-Finnish European population, according to the Genome Aggregation Database (PMID: 32461654). This variant has been reported in ClinVar (Variation ID: 126593). The overall evidence is inconsistent with ACMG/AMP requirements for a classification of benign or pathogenic. In summary, the clinical significance of this variant is currently uncertain.

CHEO Genetics Diagnostic Laboratory, Children's Hospital of Eastern Ontario
Classification: Uncertain significance for Breast and/or ovarian cancer. Last evaluated: 2019-06-05. Review status: criteria provided, single submitter. Criteria: ACMG Guidelines, 2015. Collection method: clinical testing. Allele origin: germline.

Ambry Genetics
Classification: Likely benign for Hereditary cancer-predisposing syndrome. Last evaluated: 2019-01-30. Review status: criteria provided, single submitter. Criteria: Ambry Variant Classification Scheme 2023. Collection method: clinical testing. Allele origin: germline.

Fulgent Genetics
Classification: Uncertain significance for Familial cancer of breast; Esophageal atresia/tracheoesophageal fistula; Fanconi anemia complementation group N; Pancreatic cancer, susceptibility to, 3. Last evaluated: 2017-05-23. Review status: criteria provided, single submitter. Criteria: ACMG Guidelines, 2015. Collection method: clinical testing. Allele origin: unknown.

Color Diagnostics, LLC DBA Color Health
Classification: Likely benign for Hereditary cancer-predisposing syndrome. Last evaluated: 2015-09-08. Review status: criteria provided, single submitter. Criteria: ACMG Guidelines, 2015. Collection method: clinical testing. Allele origin: germline.

Cancer Genetics Laboratory, Peter MacCallum Cancer Centre
Classification: Uncertain significance for Familial cancer of breast. Last evaluated: 2015-06-01. Review status: criteria provided, single submitter. Criteria: Thompson et al. (Breast Cancer Res. 2015). Collection method: case-control. Allele origin: germline. Affected: yes and no. Observed: 3 variant alleles, 3 heterozygotes.

NM_024675.4(PALB2):c.11C>T (p.Pro4Leu)

Gene: PALB2 (partner and localizer of BRCA2; minus strand). Cytogenetic location: 16p12.2.
Variant type: single nucleotide variant.
Coding change: c.11C>T on transcript NM_024675.4 (MANE Select); coding-DNA position 11, C replaced by T.
Protein change: p.Pro4Leu; replaces proline 4 with leucine.
Molecular consequence: missense variant.
Genome position (GRCh38, 1-based): chr16:23,641,147, G>A on the plus strand (C>T on the coding strand, the complement: PALB2 is on the minus strand). VCF-style: chr16-23641147-G-A. GRCh37 (hg19) VCF-style: chr16-23652468-G-A.
Other names: p.P4L:CCT>CTT; short protein forms P4L.
Identifiers: ClinVar variation 126593 (VCV000126593.64), dbSNP rs45619737, ClinGen allele CA288392.